The following is an entry in ClinVar:

NM_015909.4(NBAS):c.2456G>T (p.Ser819Ile)

Gene: NBAS (NBAS subunit of NRZ tethering complex; minus strand). Cytogenetic location: 2p24.3.
Variant type: single nucleotide variant.
Coding change: c.2456G>T on transcript NM_015909.4 (MANE Select); coding-DNA position 2456, G replaced by T.
Protein change: p.Ser819Ile; replaces serine 819 with isoleucine.
Molecular consequence: missense variant. On other transcripts: non-coding transcript variant (1).
Genome position (GRCh38, 1-based): chr2:15,424,436, C>A on the plus strand (G>T on the coding strand, the complement: NBAS is on the minus strand). VCF-style: chr2-15424436-C-A. GRCh37 (hg19) VCF-style: chr2-15564560-C-A.
Other names: short protein forms S819I.
Identifiers: ClinVar variation 1361126 (VCV001361126.5), dbSNP rs2148478179, ClinGen allele CA345890168.

ClinVar aggregate classification (germline): Uncertain significance (1 of 4 stars; one submission).

gnomAD v4.1: 1 of 1,614,126 alleles (0.000062%); highest among the groups gnomAD compares: Admixed American, 0.0017%; no homozygotes.

Submission:

Labcorp Genetics (formerly Invitae), Labcorp
Classification: Uncertain significance. Last evaluated: 2021-08-17. Review status: criteria provided, single submitter. Criteria: Invitae Variant Classification Sherloc (09022015). Collection method: clinical testing. Allele origin: germline.
Comment: This sequence change replaces serine with isoleucine at codon 819 of the NBAS protein (p.Ser819Ile). The serine residue is highly conserved and there is a large physicochemical difference between serine and isoleucine. This variant is not present in population databases (ExAC no frequency). In summary, the available evidence is currently insufficient to determine the role of this variant in disease. Therefore, it has been classified as a Variant of Uncertain Significance. Algorithms developed to predict the effect of missense changes on protein structure and function (SIFT, PolyPhen-2, Align-GVGD) all suggest that this variant is likely to be disruptive. This variant has not been reported in the literature in individuals affected with NBAS-related conditions.